The following is an entry in ClinVar:

ClinVar aggregate classification (germline): Uncertain significance. Review status: criteria provided, multiple submitters, no conflicts (2 of 4 stars). 3 submissions from 3 submitters: Uncertain significance (3). Last evaluated 2026-09-01.

Conditions:
IMPG1-related disorder. Also called: IMPG1-related condition.

Allele frequency attached by ClinVar (database versions not stated): ExAC 0.00003; gnomAD exomes 0.00008 and 0.00027; gnomAD 0.00010; TOPMed 0.00012.
gnomAD v4.1: 387 of 1,584,654 alleles (0.024%); highest among the groups gnomAD compares: Non-Finnish European, 0.032%; 1 homozygote.

Submissions (3):

CeGaT Center for Human Genetics Tuebingen
Classification: Uncertain significance. Last evaluated: 2026-09-01. Review status: criteria provided, single submitter. Criteria: CeGaT Center For Human Genetics Tuebingen Variant Classification Criteria Version 2. Collection method: clinical testing. Allele origin: germline. Affected: yes. Observed: 1 variant allele.
Comment: IMPG1: PM2:Supporting, BP4

PreventionGenetics, part of Exact Sciences
Classification: Uncertain significance for IMPG1-related condition. Last evaluated: 2026-06-24. Review status: criteria provided, single submitter. Criteria: ACMG Guidelines, 2015. Collection method: clinical testing. Allele origin: germline.
Comment: The IMPG1 c.2294T>C variant is predicted to result in the amino acid substitution p.Phe765Ser. To our knowledge, this variant has not been reported in the literature in individuals with IMPG2-related retinal disease. This variant is reported in 0.014% of alleles in individuals of European (Non-Finnish) descent in gnomAD. At this time, the clinical significance of this variant is uncertain due to the absence of conclusive functional and genetic evidence.

Labcorp Genetics (formerly Invitae), Labcorp
Classification: Uncertain significance. Last evaluated: 2025-11-20. Review status: criteria provided, single submitter. Criteria: Invitae Variant Classification Sherloc (09022015). Collection method: clinical testing. Allele origin: germline.
Comment: This sequence change replaces phenylalanine, which is neutral and non-polar, with serine, which is neutral and polar, at codon 765 of the IMPG1 protein (p.Phe765Ser). This variant is present in population databases (rs771927192, gnomAD 0.02%). This missense change has been observed in individual(s) with IMPG1-related conditions (internal data). ClinVar contains an entry for this variant (Variation ID: 838276). An algorithm developed to predict the effect of missense changes on protein structure and function outputs the following: PolyPhen-2: "Benign". The serine amino acid residue is found in multiple mammalian species, which suggests that this missense change does not adversely affect protein function. In summary, the available evidence is currently insufficient to determine the role of this variant in disease. Therefore, it has been classified as a Variant of Uncertain Significance.

NM_001563.4(IMPG1):c.2294T>C (p.Phe765Ser)

Gene: IMPG1 (interphotoreceptor matrix proteoglycan 1; minus strand). Cytogenetic location: 6q14.1.
Variant type: single nucleotide variant.
Coding change: c.2294T>C on transcript NM_001563.4 (MANE Select); coding-DNA position 2294, T replaced by C.
Protein change: p.Phe765Ser; replaces phenylalanine 765 with serine.
Molecular consequence: missense variant.
Genome position (GRCh38, 1-based): chr6:75,923,656, A>G on the plus strand (T>C on the coding strand, the complement: IMPG1 is on the minus strand). VCF-style: chr6-75923656-A-G. GRCh37 (hg19) VCF-style: chr6-76633373-A-G.
Other names: c.2060T>C, p.Phe687Ser (NM_001282368.2); short protein forms F765S, F687S.
Identifiers: ClinVar variation 838276 (VCV000838276.9), dbSNP rs771927192, ClinGen allele CA3897871.
Genomic context (GRCh38, chr6:75,923,656, plus strand): 5'-TTTAGTAATTGCAACCAACTTAGAAAGTATGATTTTACCTTGTTATTTTGTTGATTTTGG[A>G]ACTTTTTAACACTAGTTTTGTATGCTTGATTTTCAGAGTGATCTGGCAACCTACAAAAGA-3'
Protein context (NP_001554.2, residues 755-775): NQAYKTSVKK[Phe765Ser]QNQQNNKVIS